The following is an entry in ClinVar:

NM_000540.3(RYR1):c.11568C>T (p.Gly3856=)

Gene: RYR1 (ryanodine receptor 1; plus strand). Cytogenetic location: 19q13.2.
Variant type: single nucleotide variant.
Coding change: c.11568C>T on transcript NM_000540.3 (MANE Select); coding-DNA position 11568, C replaced by T.
Protein change: p.Gly3856=; no amino-acid change (glycine 3856 retained).
Molecular consequence: synonymous variant.
Genome position (GRCh38, 1-based): chr19:38,536,048, C>T. VCF-style: chr19-38536048-C-T. GRCh37 (hg19) VCF-style: chr19-39026688-C-T.
Other names: c.11553C>T, p.Gly3851= (NM_001042723.2).
Identifiers: ClinVar variation 3055314 (VCV003055314.3), dbSNP rs1466248819, ClinGen allele CA507241388.

ClinVar aggregate classification (germline): Uncertain significance. Review status: criteria provided, single submitter (1 of 4 stars). 2 submissions from 2 submitters: Uncertain significance (1). 1 of the submissions does not count toward it. Last evaluated 2023-10-02.

Conditions:
RYR1-related disorder. Also called: RYR1-related condition; RYR1-related disorders. Identifiers: MedGen CN239331.
Malignant hyperthermia, susceptibility to, 1 (MHS1). Also called: RYR1-Related Malignant Hyperthermia Susceptibility; Anesthesia related hyperthermia; Malignant hyperpyrexia; Fulminating hyperpyrexia; Pharmacogenic myopathy; Malignant hyperthermia suceptibility 1. Identifiers: Orphanet 423, MedGen C2930980, MONDO:0007783, OMIM 145600.

Allele frequency attached by ClinVar (database versions not stated): gnomAD exomes below 0.00001; TOPMed below 0.00001; gnomAD 0.00001.
gnomAD v4.1: 4 of 1,613,524 alleles (0.00025%); highest among the groups gnomAD compares: Non-Finnish European, 0.00025%; no homozygotes.

Submissions (2):

All of Us Research Program, National Institutes of Health
Classification: Uncertain significance for Malignant hyperthermia, susceptibility to, 1. Last evaluated: 2023-10-02. Review status: criteria provided, single submitter. Criteria: ACMG Guidelines, 2015. Collection method: clinical testing. Allele origin: germline. Inheritance: Autosomal dominant inheritance. Observed: 1 variant allele, 1 heterozygote.
Comment: This variant is located in the RYR1 protein. To our knowledge, functional studies have not been reported for this variant. This variant has not been reported in individuals affected with RYR1-related disorders in the literature. This variant has been identified in 1/250372 chromosomes in the general population by the Genome Aggregation Database (gnomAD). The available evidence is insufficient to determine the role of this variant in disease conclusively. Therefore, this variant is classified as a Variant of Uncertain Significance.

This study involves interpretation of variants in research participants for the purpose of population health screening. Participant phenotype was not available at the time of variant classification. Additional details can be found in publication PMID: 35346344, PMCID: PMC8962531

PreventionGenetics, part of Exact Sciences
Classification: Likely benign for RYR1-related condition. Last evaluated: 2022-11-23. Review status: no assertion criteria provided. Collection method: clinical testing. Allele origin: germline. Not counted in ClinVar's aggregate classification.
Comment: This variant is classified as likely benign based on ACMG/AMP sequence variant interpretation guidelines (Richards et al. 2015 PMID: 25741868, with internal and published modifications).